The following is an entry in ClinVar:

ClinVar aggregate classification (germline): Uncertain significance. Review status: criteria provided, multiple submitters, no conflicts (2 of 4 stars). 7 submissions from 7 submitters: Uncertain significance (7). Last evaluated 2026-08-11.

Conditions:
PRX-related disorder. Also called: PRX-related condition; PRX-Related Disorders.
Charcot-Marie-Tooth disease type 4F. Also called: Charcot-Marie-Tooth disease, demyelinating, type 4F. Identifiers: Orphanet 99952, MedGen C3540453, MONDO:0013959, OMIM 614895.
Dejerine-Sottas disease. Also called: Charcot-Marie-Tooth disease type 3; HEREDITARY MOTOR AND SENSORY NEUROPATHY TYPE III; DEJERINE-SOTTAS NEUROPATHY; Hereditary motor and sensory neuropathy 3; HMSN Type III. Identifiers: Orphanet 64748, MedGen C0011195, MONDO:0007790, OMIM 145900.
Inborn genetic diseases. Identifiers: MedGen C0950123, MeSH D030342.
Charcot-Marie-Tooth disease type 4. Also called: Charcot-Marie-Tooth, Type 4; Charcot-Marie-Tooth disease, type IV. Identifiers: Orphanet 64749, MedGen C4082197, MONDO:0018995.

Allele frequency attached by ClinVar (database versions not stated): ExAC 0.00004; gnomAD exomes 0.00021; 1000 Genomes Project 0.00040; TOPMed 0.00043; gnomAD 0.00056 and 0.00058; 1000 Genomes Project 30x 0.00062.

Submissions (7):

PreventionGenetics, part of Exact Sciences
Classification: Uncertain significance for PRX-related condition. Last evaluated: 2026-08-11. Review status: criteria provided, single submitter. Criteria: ACMG Guidelines, 2015. Collection method: clinical testing. Allele origin: germline.
Comment: The PRX c.3769G>A variant is predicted to result in the amino acid substitution p.Gly1257Arg. To our knowledge, this variant has not been reported in the literature. This variant is reported in 0.13% of alleles in individuals of Latino descent in gnomAD. Although we suspect that this variant may be benign, at this time, the clinical significance of this variant is uncertain due to the absence of conclusive functional and genetic evidence.

Ambry Genetics
Classification: Uncertain significance for Inborn genetic diseases. Last evaluated: 2025-11-19. Review status: criteria provided, single submitter. Criteria: Ambry Variant Classification Scheme 2023. Collection method: clinical testing. Allele origin: germline.

Labcorp Genetics (formerly Invitae), Labcorp
Classification: Uncertain significance for Charcot-Marie-Tooth disease type 4. Last evaluated: 2024-12-19. Review status: criteria provided, single submitter. Criteria: Invitae Variant Classification Sherloc (09022015). Collection method: clinical testing. Allele origin: germline.
Comment: This sequence change replaces glycine, which is neutral and non-polar, with arginine, which is basic and polar, at codon 1257 of the PRX protein (p.Gly1257Arg). This variant is present in population databases (rs200332462, gnomAD 0.1%). This variant has not been reported in the literature in individuals affected with PRX-related conditions. ClinVar contains an entry for this variant (Variation ID: 245824). Invitae Evidence Modeling of protein sequence and biophysical properties (such as structural, functional, and spatial information, amino acid conservation, physicochemical variation, residue mobility, and thermodynamic stability) indicates that this missense variant is not expected to disrupt PRX protein function with a negative predictive value of 80%. In summary, the available evidence is currently insufficient to determine the role of this variant in disease. Therefore, it has been classified as a Variant of Uncertain Significance.

Mayo Clinic Laboratories, Mayo Clinic
Classification: Uncertain significance. Last evaluated: 2021-05-13. Review status: criteria provided, single submitter. Criteria: ACMG Guidelines, 2015. Collection method: clinical testing. Allele origin: germline.

CeGaT Center for Human Genetics Tuebingen
Classification: Uncertain significance. Last evaluated: 2020-03-01. Review status: criteria provided, single submitter. Criteria: CeGaT Center For Human Genetics Tuebingen Variant Classification Criteria Version 2. Collection method: clinical testing. Allele origin: germline. Affected: yes. Observed: 1 variant allele.

Fulgent Genetics
Classification: Uncertain significance for Dejerine-Sottas disease; Charcot-Marie-Tooth disease type 4F. Last evaluated: 2018-10-31. Review status: criteria provided, single submitter. Criteria: ACMG Guidelines, 2015. Collection method: clinical testing. Allele origin: unknown.

GeneDx
Classification: Uncertain significance. Last evaluated: 2015-07-17. Review status: criteria provided, single submitter. Criteria: GeneDx Variant Classification (06012015). Collection method: clinical testing. Allele origin: germline. Affected: yes.
Comment: The G1257R variant has not been published as pathogenic, nor has it been reported as a benign polymorphism to our knowledge. It was not observed in approximately 6,500 individuals of European and African American ancestry in the NHLBI Exome Sequencing Project, but the 1000 Genomes Project reports G1257R was observed in 2/1006 (0.2%) alleles from individuals of European background. The G1257R variant is a non-conservative amino acid substitution, which is likely to impact secondary protein structure as these residues differ in polarity, charge, size and/or other properties. However, this substitution occurs at a position that is not conserved, and Arginine is observed in this position in evolution. In silico analysis predicts the G1257R variant likely does not alter the protein structure/function. Therefore, based on the currently available information, it is unclear whether this variant is a pathogenic variant or a rare benign variant

NM_181882.3(PRX):c.3769G>A (p.Gly1257Arg)

Gene: PRX (periaxin; minus strand). Cytogenetic location: 19q13.2.
Variant type: single nucleotide variant.
Coding change: c.3769G>A on transcript NM_181882.3 (MANE Select); coding-DNA position 3769, G replaced by A.
Protein change: p.Gly1257Arg; replaces glycine 1257 with arginine.
Molecular consequence: missense variant. On other transcripts: 3 prime UTR variant (1).
Genome position (GRCh38, 1-based): chr19:40,394,583, C>T on the plus strand (G>A on the coding strand, the complement: PRX is on the minus strand). VCF-style: chr19-40394583-C-T. GRCh37 (hg19) VCF-style: chr19-40900490-C-T.
Other names: p.Gly1257Arg; c.*3974G>A (NM_020956.2); short protein forms G1257R.
Identifiers: ClinVar variation 245824 (VCV000245824.54), dbSNP rs200332462, ClinGen allele CA9443791.